The following is an entry in ClinVar:

NM_177438.3(DICER1):c.3421T>A (p.Ser1141Thr)

Gene: DICER1 (dicer 1, ribonuclease III; minus strand). Cytogenetic location: 14q32.13.
Variant type: single nucleotide variant.
Coding change: c.3421T>A on transcript NM_177438.3 (MANE Select); coding-DNA position 3421, T replaced by A.
Protein change: p.Ser1141Thr; replaces serine 1141 with threonine.
Molecular consequence: missense variant.
Genome position (GRCh38, 1-based): chr14:95,103,975, A>T on the plus strand (T>A on the coding strand, the complement: DICER1 is on the minus strand). VCF-style: chr14-95103975-A-T. GRCh37 (hg19) VCF-style: chr14-95570312-A-T.
Other names: c.3421T>A, p.Ser1141Thr (NM_001195573.1, NM_001271282.3, NM_001291628.2 and 1 more transcripts); short protein forms S1141T.
Identifiers: ClinVar variation 823756 (VCV000823756.14), dbSNP rs1595367126, ClinGen allele CA390875513.

ClinVar aggregate classification (germline): Uncertain significance. Review status: criteria provided, multiple submitters, no conflicts (2 of 4 stars). 2 submissions from 2 submitters: Uncertain significance (2). Last evaluated 2025-08-14.

Conditions:
Hereditary cancer-predisposing syndrome. Also called: Neoplastic Syndromes, Hereditary; Hereditary Cancer Syndrome; Hereditary neoplastic syndrome; Tumor predisposition. Identifiers: Orphanet 140162, MedGen C0027672, MeSH D009386, MONDO:0015356.
DICER1-related tumor predisposition. Also called: DICER1-related pleuropulmonary blastoma cancer predisposition syndrome; DICER1 syndrome. Identifiers: Orphanet 284343, MedGen C3839822, MONDO:0100216.

gnomAD v4.1: 10 of 1,614,108 alleles (0.00062%); highest among the groups gnomAD compares: Non-Finnish European, 0.00085%; no homozygotes.

Submissions (2):

Ambry Genetics
Classification: Uncertain significance for Hereditary cancer-predisposing syndrome. Last evaluated: 2025-08-14. Review status: criteria provided, single submitter. Criteria: Ambry Variant Classification Scheme 2023. Collection method: clinical testing. Allele origin: germline.
Comment: The p.S1141T variant (also known as c.3421T>A), located in coding exon 20 of the DICER1 gene, results from a T to A substitution at nucleotide position 3421. The serine at codon 1141 is replaced by threonine, an amino acid with similar properties. This amino acid position is not well conserved in available vertebrate species. In addition, this alteration is predicted to be tolerated by in silico analysis. Based on the available evidence, the clinical significance of this variant remains unclear.

Labcorp Genetics (formerly Invitae), Labcorp
Classification: Uncertain significance for DICER1-related tumor predisposition. Last evaluated: 2024-12-15. Review status: criteria provided, single submitter. Criteria: Invitae Variant Classification Sherloc (09022015). Collection method: clinical testing. Allele origin: germline.
Comment: This sequence change replaces serine, which is neutral and polar, with threonine, which is neutral and polar, at codon 1141 of the DICER1 protein (p.Ser1141Thr). This variant is not present in population databases (gnomAD no frequency). This variant has not been reported in the literature in individuals affected with DICER1-related conditions. ClinVar contains an entry for this variant (Variation ID: 823756). Invitae Evidence Modeling of protein sequence and biophysical properties (such as structural, functional, and spatial information, amino acid conservation, physicochemical variation, residue mobility, and thermodynamic stability) indicates that this missense variant is not expected to disrupt DICER1 protein function with a negative predictive value of 95%. In summary, the available evidence is currently insufficient to determine the role of this variant in disease. Therefore, it has been classified as a Variant of Uncertain Significance.